The following is an entry in ClinVar:

ClinVar aggregate classification (germline): Uncertain significance (1 of 4 stars; one submission).

Allele frequency attached by ClinVar (database versions not stated): TOPMed below 0.00001; gnomAD 0.00001; ExAC 0.00002; gnomAD exomes 0.00003.
gnomAD v4.1: 49 of 1,611,572 alleles (0.003%); highest among the groups gnomAD compares: Non-Finnish European, 0.0036%; no homozygotes.

Submission:

Labcorp Genetics (formerly Invitae), Labcorp
Classification: Uncertain significance. Last evaluated: 2022-04-08. Review status: criteria provided, single submitter. Criteria: Invitae Variant Classification Sherloc (09022015). Collection method: clinical testing. Allele origin: germline.
Comment: This sequence change replaces lysine, which is basic and polar, with asparagine, which is neutral and polar, at codon 283 of the STN1 protein (p.Lys283Asn). This variant is present in population databases (rs779633657, gnomAD 0.004%). This variant has not been reported in the literature in individuals affected with STN1-related conditions. Algorithms developed to predict the effect of missense changes on protein structure and function are either unavailable or do not agree on the potential impact of this missense change (SIFT: "Deleterious"; PolyPhen-2: "Possibly Damaging"; Align-GVGD: "Class C0"). In summary, the available evidence is currently insufficient to determine the role of this variant in disease. Therefore, it has been classified as a Variant of Uncertain Significance.

NM_024928.5(STN1):c.849A>T (p.Lys283Asn)

Gene: STN1 (STN1 subunit of CST complex; minus strand). Cytogenetic location: 10q24.33.
Variant type: single nucleotide variant.
Coding change: c.849A>T on transcript NM_024928.5 (MANE Select); coding-DNA position 849, A replaced by T.
Protein change: p.Lys283Asn; replaces lysine 283 with asparagine.
Molecular consequence: missense variant.
Genome position (GRCh38, 1-based): chr10:103,892,157, T>A on the plus strand (A>T on the coding strand, the complement: STN1 is on the minus strand). VCF-style: chr10-103892157-T-A. GRCh37 (hg19) VCF-style: chr10-105651915-T-A.
Other names: short protein forms K283N.
Identifiers: ClinVar variation 1929059 (VCV001929059.2), dbSNP rs779633657, ClinGen allele CA5676489.